The following is an entry in ClinVar:

ClinVar aggregate classification (germline): Likely pathogenic. Review status: criteria provided, multiple submitters, no conflicts (2 of 4 stars). 3 submissions from 3 submitters: Likely pathogenic (3). Last evaluated 2025-10-20.

Conditions:
Hereditary cancer-predisposing syndrome. Also called: Tumor predisposition; Hereditary Cancer Syndrome; Hereditary neoplastic syndrome; Neoplastic Syndromes, Hereditary. Identifiers: Orphanet 140162, MedGen C0027672, MeSH D009386, MONDO:0015356.
Familial cancer of breast. Also called: BREAST CANCER, FAMILIAL; Hereditary breast cancer; hereditary breast carcinoma. Identifiers: Orphanet 227535, MedGen C0346153, MONDO:0016419, OMIM 114480. Disease mechanism: loss of function.

Submissions (3):

Ambry Genetics
Classification: Likely pathogenic for Hereditary cancer-predisposing syndrome. Last evaluated: 2025-10-20. Review status: criteria provided, single submitter. Criteria: Ambry Variant Classification Scheme 2023. Collection method: clinical testing. Allele origin: germline.
Comment: The c.1259+1G>T intronic variant results from a G to T substitution one nucleotide after coding exon 10 of the CHEK2 gene. This variant is considered to be rare based on population cohorts in the Genome Aggregation Database (gnomAD). This nucleotide position is highly conserved in available vertebrate species. In silico splice site analysis predicts that this alteration will weaken the native splice donor site. Alterations that disrupt the canonical splice site are expected to cause aberrant splicing, resulting in an abnormal protein or a transcript that is subject to nonsense-mediated mRNA decay. As such, this alteration is classified as likely pathogenic.

Myriad Genetics, Inc.
Classification: Likely pathogenic for Familial cancer of breast. Last evaluated: 2023-06-28. Review status: criteria provided, single submitter. Criteria: Myriad Autosomal Dominant, Autosomal Recessive and X-Linked Classification Criteria (2023). Collection method: clinical testing. Allele origin: unknown.
Comment: This variant is considered likely pathogenic. This variant occurs within a consensus splice junction and is predicted to result in abnormal mRNA splicing of either an out-of-frame exon or an in-frame exon necessary for protein stability and/or normal function.

Labcorp Genetics (formerly Invitae), Labcorp
Classification: Likely pathogenic for Familial cancer of breast. Last evaluated: 2018-02-07. Review status: criteria provided, single submitter. Criteria: Invitae Variant Classification Sherloc (09022015). Collection method: clinical testing. Allele origin: germline.
Comment: In summary, the currently available evidence indicates that the variant is pathogenic, but additional data are needed to prove that conclusively. Therefore, this variant has been classified as Likely Pathogenic. Donor and acceptor splice site variants typically lead to a loss of protein function (PMID: 16199547), and loss-of-function variants in CHEK2 are known to be pathogenic (PMID: 21876083, 24713400). Algorithms developed to predict the effect of sequence changes on RNA splicing suggest that this variant may disrupt the consensus splice site, but this prediction has not been confirmed by published transcriptional studies. This variant has not been reported in the literature in individuals with CHEK2-related disease. ClinVar contains an entry for this variant (Variation ID: 410039). This variant is not present in population databases (ExAC no frequency). This sequence change affects a donor splice site in intron 11 of the CHEK2 gene. It is expected to disrupt RNA splicing and likely results in an absent or disrupted protein product.

Literature cited by the submitters: PubMed 16199547 (cited by Labcorp Genetics (formerly Invitae), Labcorp); PubMed 21876083 (cited by Labcorp Genetics (formerly Invitae), Labcorp); PubMed 24713400 (cited by Labcorp Genetics (formerly Invitae), Labcorp).

NM_007194.4(CHEK2):c.1259+1G>T

Gene: CHEK2 (checkpoint kinase 2; minus strand). Cytogenetic location: 22q12.1.
Variant type: single nucleotide variant.
Coding change: c.1259+1G>T on transcript NM_007194.4 (MANE Select); the canonical splice donor site of the intron after coding-DNA position 1259, G replaced by T.
Molecular consequence: splice donor variant.
Genome position (GRCh38, 1-based): chr22:28,695,709, C>A on the plus strand (G>T on the coding strand, the complement: CHEK2 is on the minus strand). VCF-style: chr22-28695709-C-A. GRCh37 (hg19) VCF-style: chr22-29091697-C-A.
Other names: c.596+1G>T (NM_001437942.1, NM_001257387.3); c.1058+1G>T (NM_001349956.3); c.1172+1G>T (NM_145862.3); c.1265+1G>T (NM_001438295.1); c.1352+1G>T (NM_001438293.1); c.1301+1G>T (NM_001438294.1); c.1388+1G>T (NM_001005735.3).
Identifiers: ClinVar variation 410039 (VCV000410039.11), dbSNP rs121908707, ClinGen allele CA16616580.